The following is an entry in ClinVar:

NM_000419.5(ITGA2B):c.1229C>A (p.Pro410His)

Gene: ITGA2B (integrin subunit alpha 2b; minus strand). Cytogenetic location: 17q21.31.
Variant type: single nucleotide variant.
Coding change: c.1229C>A on transcript NM_000419.5 (MANE Select); coding-DNA position 1229, C replaced by A.
Protein change: p.Pro410His; replaces proline 410 with histidine.
Molecular consequence: missense variant.
Genome position (GRCh38, 1-based): chr17:44,381,043, G>T on the plus strand (C>A on the coding strand, the complement: ITGA2B is on the minus strand). VCF-style: chr17-44381043-G-T. GRCh37 (hg19) VCF-style: chr17-42458411-G-T.
Other names: c.1229C>A (NM_000419.3); short protein forms P410H.
Identifiers: ClinVar variation 1703870 (VCV001703870.3), dbSNP rs773649547, ClinGen allele CA399803787.

ClinVar aggregate classification (germline): Conflicting classifications of pathogenicity. Review status: criteria provided, conflicting classifications (1 of 4 stars). 2 submissions from 2 submitters: Pathogenic (1); Uncertain significance (1). Last evaluated 2025-04-03.

Conditions:
Glanzmann thrombasthenia 1 (GT1). Also called: BLEEDING DISORDER, PLATELET-TYPE, 2; GP IIb-IIIa COMPLEX DEFICIENCY; GLYCOPROTEIN COMPLEX IIb-IIIa DEFICIENCY; PLATELET FIBRINOGEN RECEPTOR DEFICIENCY. Identifiers: MedGen CN300358, MONDO:0031332, OMIM 273800.
Inborn genetic diseases. Identifiers: MedGen C0950123, MeSH D030342.

gnomAD v4.1: 1 of 1,613,548 alleles (0.000062%); highest among the groups gnomAD compares: Non-Finnish European, 0.000085%; no homozygotes.

Submissions (2):

Ambry Genetics
Classification: Uncertain significance for Inborn genetic diseases. Last evaluated: 2025-04-03. Review status: criteria provided, single submitter. Criteria: Ambry Variant Classification Scheme 2023. Collection method: clinical testing. Allele origin: germline.

ISTH-SSC Genomics in Thrombosis and Hemostasis, KU Leuven, Center for Molecular and Vascular Biology
Classification: Pathogenic for Glanzmann thrombasthenia 1. Review status: criteria provided, single submitter. Criteria: ACMG Guidelines, 2015. Collection method: clinical testing. Allele origin: germline. Affected: yes. Observed: 1 homozygote.
Comment: Submitted to GoldVariant by Jose María Bastida and José Rivera; Grupo Español de Alteraciones Plaquetarias Congénitas (GEAPC)